The following is an entry in ClinVar:

NM_001372043.1(PCSK5):c.3917G>A (p.Arg1306His)

Gene: PCSK5 (proprotein convertase subtilisin/kexin type 5; plus strand). Cytogenetic location: 9q21.13.
Variant type: single nucleotide variant.
Coding change: c.3917G>A on transcript NM_001372043.1 (MANE Select); coding-DNA position 3917, G replaced by A.
Protein change: p.Arg1306His; replaces arginine 1306 with histidine.
Molecular consequence: missense variant.
Genome position (GRCh38, 1-based): chr9:76,321,454, G>A. VCF-style: chr9-76321454-G-A. GRCh37 (hg19) VCF-style: chr9-78936370-G-A.
Other names: c.3836G>A, p.Arg1279His (NM_001190482.2); short protein forms R1306H, R1279H.
Identifiers: ClinVar variation 4977711 (VCV004977711.1).

ClinVar aggregate classification (germline): Likely benign (1 of 4 stars; one submission).

Conditions:
PCSK5-related disorder. Also called: PCSK5-related condition.

gnomAD v4.1: 221 of 1,608,910 alleles (0.014%); highest among the groups gnomAD compares: Admixed American, 0.33%; 2 homozygotes.

Submission:

PreventionGenetics, part of Exact Sciences
Classification: Likely benign for PCSK5-related condition. Last evaluated: 2026-02-03. Review status: criteria provided, single submitter. Criteria: ACMG Guidelines, 2015. Collection method: clinical testing. Allele origin: germline.
Comment: This variant is classified as likely benign based on ACMG/AMP sequence variant interpretation guidelines (Richards et al. 2015 PMID: 25741868, with internal and published modifications).